The following is an entry in ClinVar:

NM_014639.4(SKIC3):c.3463A>G (p.Lys1155Glu)

Gene: SKIC3 (SKI3 subunit of superkiller complex; minus strand). Cytogenetic location: 5q15.
Variant type: single nucleotide variant.
Coding change: c.3463A>G on transcript NM_014639.4 (MANE Select); coding-DNA position 3463, A replaced by G.
Protein change: p.Lys1155Glu; replaces lysine 1155 with glutamic acid.
Molecular consequence: missense variant.
Genome position (GRCh38, 1-based): chr5:95,498,470, T>C on the plus strand (A>G on the coding strand, the complement: SKIC3 is on the minus strand). VCF-style: chr5-95498470-T-C. GRCh37 (hg19) VCF-style: chr5-94834174-T-C.
Other names: short protein forms K1155E.
Identifiers: ClinVar variation 1467919 (VCV001467919.3), dbSNP rs751948707, ClinGen allele CA3346724.

ClinVar aggregate classification (germline): Uncertain significance (1 of 4 stars; one submission).

Allele frequency attached by ClinVar (database versions not stated): ExAC 0.00001; gnomAD 0.00001 and 0.00002; gnomAD exomes 0.00001 and 0.00002; TOPMed 0.00002.
gnomAD v4.1: 14 of 1,614,064 alleles (0.00087%); highest among the groups gnomAD compares: Admixed American, 0.0017%; no homozygotes.

Submission:

Labcorp Genetics (formerly Invitae), Labcorp
Classification: Uncertain significance. Last evaluated: 2022-02-09. Review status: criteria provided, single submitter. Criteria: Invitae Variant Classification Sherloc (09022015). Collection method: clinical testing. Allele origin: germline.
Comment: This sequence change replaces lysine, which is basic and polar, with glutamic acid, which is acidic and polar, at codon 1155 of the TTC37 protein (p.Lys1155Glu). This variant is present in population databases (rs751948707, gnomAD 0.003%). This variant has not been reported in the literature in individuals affected with TTC37-related conditions. Algorithms developed to predict the effect of missense changes on protein structure and function (SIFT, PolyPhen-2, Align-GVGD) all suggest that this variant is likely to be tolerated. In summary, the available evidence is currently insufficient to determine the role of this variant in disease. Therefore, it has been classified as a Variant of Uncertain Significance.